The following is an entry in ClinVar:

ClinVar aggregate classification (germline): Uncertain significance (1 of 4 stars; one submission).

Allele frequency attached by ClinVar (database versions not stated): gnomAD exomes below 0.00001.
gnomAD v4.1: 5 of 1,612,590 alleles (0.00031%); highest among the groups gnomAD compares: Non-Finnish European, 0.00042%; no homozygotes.

Submission:

Ambry Genetics
Classification: Uncertain significance. Last evaluated: 2024-10-14. Review status: criteria provided, single submitter. Criteria: Ambry Variant Classification Scheme 2023. Collection method: clinical testing. Allele origin: germline.
Comment: The p.G216R variant (also known as c.646G>C), located in coding exon 1 of the EGLN2 gene, results from a G to C substitution at nucleotide position 646. The glycine at codon 216 is replaced by arginine, an amino acid with dissimilar properties. This amino acid position is conserved. In addition, this alteration is predicted to be tolerated by in silico analysis. Since supporting evidence is limited at this time, the clinical significance of this alteration remains unclear.

NM_080732.4(EGLN2):c.646G>C (p.Gly216Arg)

Genes: EGLN2 (egl-9 family hypoxia inducible factor 2; plus strand), RAB4B-EGLN2 (RAB4B-EGLN2 readthrough (NMD candidate); plus strand). Cytogenetic location: 19q13.2.
Variant type: single nucleotide variant.
Coding change: c.646G>C on transcript NM_080732.4 (MANE Select); coding-DNA position 646, G replaced by C.
Protein change: p.Gly216Arg; replaces glycine 216 with arginine.
Molecular consequence: missense variant. On other transcripts: non-coding transcript variant (1).
Genome position (GRCh38, 1-based): chr19:40,801,218, G>C. VCF-style: chr19-40801218-G-C. GRCh37 (hg19) VCF-style: chr19-41307123-G-C.
Other names: c.646G>C, p.Gly216Arg (NM_053046.4); short protein forms G216R.
Identifiers: ClinVar variation 1753705 (VCV001753705.3), dbSNP rs1568500514, ClinGen allele CA405955692.